The following is an entry in ClinVar:

ClinVar aggregate classification (germline): Uncertain significance (1 of 4 stars; one submission).

Conditions:
Developmental and epileptic encephalopathy, 13 (DEE13). Also called: Early infantile epileptic encephalopathy 13; SCN8A-Related Epilepsy; Developmental and Epileptic Encephalopathy (SCN8A-DEE). Identifiers: Orphanet 442835, MedGen C3281191, MONDO:0013801, OMIM 614558.

gnomAD v4.1: 1 of 1,614,212 alleles (0.000062%); highest among the groups gnomAD compares: Non-Finnish European, 0.000085%; no homozygotes.

Submission:

Victorian Clinical Genetics Services, Murdoch Childrens Research Institute
Classification: Uncertain significance for Developmental and epileptic encephalopathy, 13. Last evaluated: 2023-07-17. Review status: criteria provided, single submitter. Criteria: ACMG Guidelines, 2015. Collection method: clinical testing. Allele origin: germline. Inheritance: Autosomal dominant inheritance. Affected: yes.
Comment: Based on the classification scheme VCGS_Germline_v1.3.4, this variant is classified as VUS-3B. Following criteria are met: 0103 - Loss of function and gain of function are known mechanisms of disease in this gene, and are associated with cognitive impairment with or without cerebellar ataxia (MIM#614306), and developmental and epileptic encephalopathy 13 (MIM#614558), respectively. In addition, gain of function is speculated for benign familial infantile seizures, 5 (MIM#617080) (PMID: 31904124, OMIM). (I) 0107 - This gene is associated with autosomal dominant disease. (I) 0200 - Variant is predicted to result in a missense amino acid change from isoleucine to serine. (I) 0251 - This variant is heterozygous. (I) 0301 - Variant is absent from gnomAD (both v2 and v3). (SP) 0501 - Missense variant consistently predicted to be damaging by multiple in silico tools or highly conserved with a major amino acid change. (SP) 0603 - Missense variant in a region that is highly intolerant to missense variation (high constraint region in DECIPHER). (SP) 0705 - No comparable missense variants have previous evidence for pathogenicity. (I) 0807 - This variant has no previous evidence of pathogenicity. (I) 0904 - Non-segregation of this variant with the phenotype under investigation has been clearly demonstrated. It has been found in unaffected heterozygous relatives. (SB) 1007 - No published functional evidence has been identified for this variant. (I) Legend: (SP) - Supporting pathogenic, (I) - Information, (SB) - Supporting benign

Literature cited by the submitters: PubMed 31904124.

NM_001330260.2(SCN8A):c.5087T>G (p.Ile1696Ser)

Gene: SCN8A (sodium voltage-gated channel alpha subunit 8; plus strand). Cytogenetic location: 12q13.13.
Variant type: single nucleotide variant.
Coding change: c.5087T>G on transcript NM_001330260.2 (MANE Select); coding-DNA position 5087, T replaced by G.
Protein change: p.Ile1696Ser; replaces isoleucine 1696 with serine.
Molecular consequence: missense variant.
Genome position (GRCh38, 1-based): chr12:51,806,573, T>G. VCF-style: chr12-51806573-T-G. GRCh37 (hg19) VCF-style: chr12-52200357-T-G.
Other names: c.4964T>G, p.Ile1655Ser (NM_001177984.3, NM_001369788.1); c.5087T>G, p.Ile1696Ser (NM_014191.4); short protein forms I1655S, I1696S.
Identifiers: ClinVar variation 1805211 (VCV001805211.2), dbSNP rs2540334186, ClinGen allele CA384883109.